The following is an entry in ClinVar:

NM_007126.5(VCP):c.382G>C (p.Gly128Arg)

Gene: VCP (valosin containing protein; minus strand). Cytogenetic location: 9p13.3.
Variant type: single nucleotide variant.
Coding change: c.382G>C on transcript NM_007126.5 (MANE Select); coding-DNA position 382, G replaced by C.
Protein change: p.Gly128Arg; replaces glycine 128 with arginine.
Molecular consequence: missense variant.
Genome position (GRCh38, 1-based): chr9:35,066,738, C>G on the plus strand (G>C on the coding strand, the complement: VCP is on the minus strand). VCF-style: chr9-35066738-C-G. GRCh37 (hg19) VCF-style: chr9-35066735-C-G.
Other names: c.247G>C, p.Gly83Arg (NM_001354927.2, NM_001354928.2); short protein forms G128R, G83R.
Identifiers: ClinVar variation 2921716 (VCV002921716.3), dbSNP rs2490370338, ClinGen allele CA373291997.

ClinVar aggregate classification (germline): Uncertain significance (1 of 4 stars; one submission).

Conditions:
Frontotemporal dementia and/or amyotrophic lateral sclerosis 6 (FTDALS6). Also called: VCP-Related Amyotrophic Lateral Sclerosis/Frontotemporal Dementia; VCP-Related Amyotrophic Lateral Sclerosis. Identifiers: Orphanet 275872, Orphanet 803, MedGen C5436279, MONDO:0013501, OMIM 613954.
Inclusion body myopathy with Paget disease of bone and frontotemporal dementia. Also called: Inclusion body myopathy with early-onset Paget disease and frontotemporal dementia. Identifiers: Orphanet 52430, MedGen C1833662, MONDO:0000507.

Submission:

Labcorp Genetics (formerly Invitae), Labcorp
Classification: Uncertain significance for Inclusion body myopathy with Paget disease of bone and frontotemporal dementia; Frontotemporal dementia and/or amyotrophic lateral sclerosis 6. Last evaluated: 2024-07-29. Review status: criteria provided, single submitter. Criteria: Invitae Variant Classification Sherloc (09022015). Collection method: clinical testing. Allele origin: germline.
Comment: This sequence change replaces glycine, which is neutral and non-polar, with arginine, which is basic and polar, at codon 128 of the VCP protein (p.Gly128Arg). This variant is not present in population databases (gnomAD no frequency). This variant has not been reported in the literature in individuals affected with VCP-related conditions. Advanced modeling of protein sequence and biophysical properties (such as structural, functional, and spatial information, amino acid conservation, physicochemical variation, residue mobility, and thermodynamic stability) performed at Invitae indicates that this missense variant is not expected to disrupt VCP protein function with a negative predictive value of 80%. This variant disrupts the p.Gly128 amino acid residue in VCP. Other variant(s) that disrupt this residue have been determined to be pathogenic (PMID: 28692196, 29754758, 30103957, 31914217). This suggests that this residue is clinically significant, and that variants that disrupt this residue are likely to be disease-causing. In summary, the available evidence is currently insufficient to determine the role of this variant in disease. Therefore, it has been classified as a Variant of Uncertain Significance.

Literature cited by the submitters: PubMed 28692196; PubMed 29754758; PubMed 30103957; PubMed 31914217.